The following is an entry in ClinVar:

NM_001330260.2(SCN8A):c.4664A>G (p.Tyr1555Cys)

Gene: SCN8A (sodium voltage-gated channel alpha subunit 8; plus strand). Cytogenetic location: 12q13.13.
Variant type: single nucleotide variant.
Coding change: c.4664A>G on transcript NM_001330260.2 (MANE Select); coding-DNA position 4664, A replaced by G.
Protein change: p.Tyr1555Cys; replaces tyrosine 1555 with cysteine.
Molecular consequence: missense variant.
Genome position (GRCh38, 1-based): chr12:51,794,510, A>G. VCF-style: chr12-51794510-A-G. GRCh37 (hg19) VCF-style: chr12-52188294-A-G.
Other names: c.4541A>G, p.Tyr1514Cys (NM_001177984.3, NM_001369788.1); c.4664A>G, p.Tyr1555Cys (NM_014191.4); short protein forms Y1514C, Y1555C.
Identifiers: ClinVar variation 4277252 (VCV004277252.1).

ClinVar aggregate classification (germline): Uncertain significance (1 of 4 stars; one submission).

Conditions:
Seizures, benign familial infantile, 5 (BFIS5). Also called: CONVULSIONS, BENIGN FAMILIAL INFANTILE, 5. Identifiers: Orphanet 306, MedGen C4310728, MONDO:0014903, OMIM 617080.

Submission:

MVZ Medizinische Genetik Mainz
Classification: Uncertain significance for Seizures, benign familial infantile, 5. Last evaluated: 2025-09-04. Review status: criteria provided, single submitter. Criteria: UK Practice Guidelines For Variant Classification V4 01 2020. Collection method: clinical testing. Allele origin: germline. Inheritance: Autosomal dominant inheritance. Affected: yes. Observed: 1 variant allele.
Comment: ACMG Criteria: PP3_MOD,PM2_SUP